The following is an entry in ClinVar:

NM_000090.4(COL3A1):c.320C>G (p.Pro107Arg)

Gene: COL3A1 (collagen type III alpha 1 chain; plus strand). Cytogenetic location: 2q32.2.
Variant type: single nucleotide variant.
Coding change: c.320C>G on transcript NM_000090.4 (MANE Select); coding-DNA position 320, C replaced by G.
Protein change: p.Pro107Arg; replaces proline 107 with arginine.
Molecular consequence: missense variant.
Genome position (GRCh38, 1-based): chr2:188,985,234, C>G. VCF-style: chr2-188985234-C-G. GRCh37 (hg19) VCF-style: chr2-189849960-C-G.
Other names: short protein forms P107R.
Identifiers: ClinVar variation 629606 (VCV000629606.4), dbSNP rs1559052813, ClinGen allele CA349847611.
Genomic context (GRCh38, chr2:188,985,234, plus strand): 5'-CTTGTTTCTTTTCCATTTATTAGCCTACTCGCCCTCCTAATGGTCAAGGACCTCAAGGCC[C>G]CAAGGGAGATCCAGTAAGTAAACATTCTTCAGTAGAATAAAATTAATACTAATGATAATT-3'
Protein context (NP_000081.2, residues 97-117): RPPNGQGPQG[Pro107Arg]KGDPGPPGIP

ClinVar aggregate classification (germline): Uncertain significance (1 of 4 stars; one submission).

Conditions:
Familial thoracic aortic aneurysm and aortic dissection (TAAD). Also called: Thoracic aortic aneurysms and dissections. Identifiers: Orphanet 91387, MedGen C4707243, MONDO:0019625.

Allele frequency attached by ClinVar (database versions not stated): gnomAD exomes below 0.00001.
gnomAD v4.1: 1 of 1,611,266 alleles (0.000062%); highest among the groups gnomAD compares: Non-Finnish European, 0.000085%; no homozygotes.

Submission:

Color Diagnostics, LLC DBA Color Health
Classification: Uncertain significance for Familial thoracic aortic aneurysm and aortic dissection. Last evaluated: 2023-12-05. Review status: criteria provided, single submitter. Criteria: ACMG Guidelines, 2015. Collection method: clinical testing. Allele origin: germline.
Comment: Variant of Uncertain Significance due to insufficient evidence: This missense variant is located in the N-terminal propeptide of the COL3A1 protein. Computational prediction tools and conservation analyses suggest that this variant may have deleterious impact on the protein function. Computational splicing tools suggest that this variant may not impact RNA splicing. To our knowledge, functional assays have not been performed for this variant nor has this variant been reported in individuals affected with cardiovascular disorders in the literature. This variant is rare in the general population and has been identified in 0/277264 chromosomes by the Genome Aggregation Database (gnomAD). Available evidence is insufficient to determine the pathogenicity of this variant conclusively.